The following is an entry in ClinVar:

ClinVar aggregate classification (germline): Benign/Likely benign. Review status: criteria provided, multiple submitters, no conflicts (2 of 4 stars). 11 submissions from 11 submitters: Benign (1); Likely benign (9). 1 of the submissions does not count toward it. Last evaluated 2025-11-25.

Conditions:
BRCA1-related disorder. Also called: BRCA1-related condition.
Hereditary cancer-predisposing syndrome. Also called: Neoplastic Syndromes, Hereditary; Hereditary neoplastic syndrome; Hereditary Cancer Syndrome; Tumor predisposition. Identifiers: Orphanet 140162, MedGen C0027672, MeSH D009386, MONDO:0015356.
Breast-ovarian cancer, familial, susceptibility to, 1 (BROVCA1). Also called: BRCA1 Hereditary Breast and Ovarian Cancer; OVARIAN CANCER, SUSCEPTIBILITY TO. Identifiers: Orphanet 145, MedGen C2676676, MONDO:0011450, OMIM 604370. Disease mechanism: loss of function.
Hereditary breast ovarian cancer syndrome. Also called: Hereditary breast and ovarian cancer syndrome; Breast and ovarian cancer; Hereditary breast and ovarian cancer syndrome (HBOC); Hereditary breast and/or ovarian cancer syndrome; BRCA1- and BRCA2-Associated Hereditary Breast and Ovarian Cancer; Hereditary breast and ovarian cancer. Identifiers: Orphanet 145, MedGen C0677776, MeSH D061325, MONDO:0003582. Disease mechanism: loss of function.

Allele frequency attached by ClinVar (database versions not stated): gnomAD 0.00001; TOPMed 0.00001.
gnomAD v4.1: 9 of 1,611,386 alleles (0.00056%); highest among the groups gnomAD compares: Middle Eastern, 0.016%; no homozygotes.

Submissions (11):

Labcorp Genetics (formerly Invitae), Labcorp
Classification: Benign for Hereditary breast ovarian cancer syndrome. Last evaluated: 2025-11-25. Review status: criteria provided, single submitter. Criteria: Invitae Variant Classification Sherloc (09022015). Collection method: clinical testing. Allele origin: germline.

ARUP Laboratories, Molecular Genetics and Genomics, ARUP Laboratories
Classification: Likely benign. Last evaluated: 2024-07-08. Review status: criteria provided, single submitter. Criteria: ARUP Molecular Germline Variant Investigation Process 2024. Collection method: clinical testing. Allele origin: germline.

Blueprint Genetics
Classification: Likely benign. Last evaluated: 2023-12-27. Review status: criteria provided, single submitter. Criteria: ACMG Guidelines, 2015. Collection method: clinical testing. Allele origin: germline.

All of Us Research Program, National Institutes of Health
Classification: Likely benign for Breast-ovarian cancer, familial, susceptibility to, 1. Last evaluated: 2023-12-01. Review status: criteria provided, single submitter. Criteria: ACMG Guidelines, 2015. Collection method: clinical testing. Allele origin: germline. Inheritance: Autosomal dominant inheritance. Observed: 3 variant alleles, 3 heterozygotes.
Comment: This study involves interpretation of variants in research participants for the purpose of population health screening. Participant phenotype was not available at the time of variant classification. Additional details can be found in publication PMID: 35346344, PMCID: PMC8962531

Sema4
Classification: Likely benign for Hereditary cancer-predisposing syndrome. Last evaluated: 2021-11-03. Review status: criteria provided, single submitter. Criteria: Sema4 Curation Guidelines. Collection method: curation. Allele origin: germline.

Women's Health and Genetics/Laboratory Corporation of America, LabCorp
Classification: Likely benign. Last evaluated: 2019-08-21. Review status: criteria provided, single submitter. Criteria: LabCorp Variant Classification Summary - May 2015. Collection method: clinical testing. Allele origin: germline.

Genetic Services Laboratory, University of Chicago
Classification: Likely benign. Last evaluated: 2019-03-29. Review status: criteria provided, single submitter. Criteria: ACMG Guidelines, 2015. Collection method: clinical testing. Allele origin: germline. Affected: no.

GeneDx
Classification: Likely benign. Last evaluated: 2018-07-26. Review status: criteria provided, single submitter. Criteria: GeneDx Variant Classification Process June 2021. Collection method: clinical testing. Allele origin: germline. Affected: yes.

Color Diagnostics, LLC DBA Color Health
Classification: Likely benign for Hereditary cancer-predisposing syndrome. Last evaluated: 2017-03-16. Review status: criteria provided, single submitter. Criteria: ACMG Guidelines, 2015. Collection method: clinical testing. Allele origin: germline.

Ambry Genetics
Classification: Likely benign for Hereditary cancer-predisposing syndrome. Last evaluated: 2015-01-20. Review status: criteria provided, single submitter. Criteria: Ambry Variant Classification Scheme 2023. Collection method: clinical testing. Allele origin: germline.

PreventionGenetics, part of Exact Sciences
Classification: Likely benign for BRCA1-related condition. Last evaluated: 2024-05-23. Review status: no assertion criteria provided. Collection method: clinical testing. Allele origin: germline. Not counted in ClinVar's aggregate classification.
Comment: This variant is classified as likely benign based on ACMG/AMP sequence variant interpretation guidelines (Richards et al. 2015 PMID: 25741868, with internal and published modifications).

NM_007294.4(BRCA1):c.804C>T (p.Asn268=)

Gene: BRCA1 (BRCA1 DNA repair associated; minus strand). Cytogenetic location: 17q21.31.
Variant type: single nucleotide variant.
Coding change: c.804C>T on transcript NM_007294.4 (MANE Select); coding-DNA position 804, C replaced by T.
Protein change: p.Asn268=; no amino-acid change (asparagine 268 retained).
Molecular consequence: synonymous variant. On other transcripts: 5 prime UTR variant (2), intron variant (137).
Genome position (GRCh38, 1-based): chr17:43,094,727, G>A on the plus strand (C>T on the coding strand, the complement: BRCA1 is on the minus strand). VCF-style: chr17-43094727-G-A. GRCh37 (hg19) VCF-style: chr17-41246744-G-A.
Other names: c.591C>T, p.Asn197= (NM_001407571.1, NM_001407853.1, NM_001407894.1 and 9 more transcripts); c.804C>T, p.Asn268= (NM_001407581.1, NM_001407582.1, NM_001407583.1 and 30 more transcripts); c.801C>T, p.Asn267= (NM_001407587.1, NM_001407590.1, NM_001407591.1 and 22 more transcripts); c.795C>T, p.Asn265= (NM_001407646.1, NM_001407647.1); c.681C>T, p.Asn227= (NM_001407648.1, NM_001407664.1, NM_001407665.1 and 19 more transcripts); c.678C>T, p.Asn226= (NM_001407649.1, NM_001407670.1, NM_001407671.1 and 11 more transcripts); c.726C>T, p.Asn242= (NM_001407653.1, NM_001407654.1, NM_001407655.1 and 4 more transcripts); c.723C>T, p.Asn241= (NM_001407659.1, NM_001407660.1, NM_001407661.1 and 1 more transcripts); and 40 more.
Identifiers: ClinVar variation 415558 (VCV000415558.29), dbSNP rs771076131, ClinGen allele CA16615397.